The following is an entry in ClinVar:

NM_022114.4(PRDM16):c.3522-262G>C

Gene: PRDM16 (PR/SET domain 16; plus strand). Cytogenetic location: 1p36.32.
Variant type: single nucleotide variant.
Coding change: c.3522-262G>C on transcript NM_022114.4 (MANE Select); 262 bases into the intron before coding-DNA position 3522, G replaced by C.
Molecular consequence: intron variant.
Genome position (GRCh38, 1-based): chr1:3,431,704, G>C. VCF-style: chr1-3431704-G-C. GRCh37 (hg19) VCF-style: chr1-3348268-G-C.
Other names: c.3522-262G>C (NM_199454.3).
Identifiers: ClinVar variation 683707 (VCV000683707.1), dbSNP rs2493274, ClinGen allele CA10761302.

ClinVar aggregate classification (germline): Benign (1 of 4 stars; one submission).

Allele frequency attached by ClinVar (database versions not stated): gnomAD 0.37921; TOPMed 0.40686; 1000 Genomes Project 0.46705; 1000 Genomes Project 30x 0.47423.
gnomAD v4.1: 57,994 of 152,180 alleles (38%); highest among the groups gnomAD compares: African/African-American, 72%; 14,729 homozygotes.

Submission:

GeneDx
Classification: Benign. Last evaluated: 2018-06-18. Review status: criteria provided, single submitter. Criteria: GeneDx Variant Classification (06012015). Collection method: clinical testing. Allele origin: germline. Affected: yes.
Comment: This variant is considered likely benign or benign based on one or more of the following criteria: it is a conservative change, it occurs at a poorly conserved position in the protein, it is predicted to be benign by multiple in silico algorithms, and/or has population frequency not consistent with disease.